The following is an entry in ClinVar:

NM_024301.5(FKRP):c.1306C>T (p.Arg436Trp)

Gene: FKRP (fukutin related protein; plus strand). Cytogenetic location: 19q13.32.
Variant type: single nucleotide variant.
Coding change: c.1306C>T on transcript NM_024301.5 (MANE Select); coding-DNA position 1306, C replaced by T.
Protein change: p.Arg436Trp; replaces arginine 436 with tryptophan.
Molecular consequence: missense variant.
Genome position (GRCh38, 1-based): chr19:46,756,756, C>T. VCF-style: chr19-46756756-C-T. GRCh37 (hg19) VCF-style: chr19-47260013-C-T.
Other names: c.1306C>T, p.Arg436Trp (NM_001039885.3); short protein forms R436W.
Identifiers: ClinVar variation 282420 (VCV000282420.22), dbSNP rs144236975, ClinGen allele CA9532291.
Genomic context (GRCh38, chr19:46,756,756, plus strand): 5'-GACCTGTGGCCCTTCTACCCCCGCAATGGCGTCATGACCAAGGACACGTGGCTGGACCAC[C>T]GGCAGGATGTGGAGTTTCCCGAGCACTTCCTGCAGCCGCTGGTGCCCCTGCCCTTTGCCG-3'
Protein context (NP_077277.1, residues 426-446): VMTKDTWLDH[Arg436Trp]QDVEFPEHFL

ClinVar aggregate classification (germline): Uncertain significance. Review status: criteria provided, multiple submitters, no conflicts (2 of 4 stars). 7 submissions from 7 submitters: Uncertain significance (6). 1 of the submissions does not count toward it. Last evaluated 2025-07-16.

Conditions:
Walker-Warburg congenital muscular dystrophy. Also called: Muscular dystrophy-dystroglycanopathy, type A; Walker-Warburg syndrome. Identifiers: Orphanet 899, MedGen C0265221, MONDO:0000171.
Cardiovascular phenotype. Identifiers: MedGen CN230736.
Autosomal recessive limb-girdle muscular dystrophy type 2I. Also called: MUSCULAR DYSTROPHY-DYSTROGLYCANOPATHY, LIMB-GIRDLE, FRKP-RELATED; MUSCULAR DYSTROPHY-DYSTROGLYCANOPATHY (LIMB-GIRDLE), TYPE C, 5; MUSCULAR DYSTROPHY, LIMB-GIRDLE, TYPE 2I. Identifiers: Orphanet 34515, MedGen C1846672, MONDO:0011787, OMIM 607155.

Allele frequency attached by ClinVar (database versions not stated): gnomAD 0.00028 and 0.00031; TOPMed 0.00029; 1000 Genomes Project 30x 0.00031; 1000 Genomes Project 0.00040; ESP Exome Variant Server 0.00062.

Submissions (7):

GeneDx
Classification: Uncertain significance. Last evaluated: 2025-07-16. Review status: criteria provided, single submitter. Criteria: GeneDx Variant Classification Process June 2021. Collection method: clinical testing. Allele origin: germline. Affected: yes.
Comment: Has not been previously published as pathogenic or benign to our knowledge; In silico analysis suggests that this missense variant does not alter protein structure/function; Missense variants in this gene are a common cause of disease and they are underrepresented in the general population; This variant is associated with the following publications: (PMID: 30564623, 27439679)

Ambry Genetics
Classification: Uncertain significance for Cardiovascular phenotype. Last evaluated: 2025-04-03. Review status: criteria provided, single submitter. Criteria: Ambry Variant Classification Scheme 2023. Collection method: clinical testing. Allele origin: germline.
Comment: The p.R436W variant (also known as c.1306C>T), located in coding exon 1 of the FKRP gene, results from a C to T substitution at nucleotide position 1306. The arginine at codon 436 is replaced by tryptophan, an amino acid with dissimilar properties. This amino acid position is not well conserved in available vertebrate species. In addition, the in silico prediction for this alteration is inconclusive. Based on the available evidence, the clinical significance of this variant remains unclear.

Women's Health and Genetics/Laboratory Corporation of America, LabCorp
Classification: Uncertain significance. Last evaluated: 2024-03-11. Review status: criteria provided, single submitter. Criteria: LabCorp Variant Classification Summary - May 2015. Collection method: clinical testing. Allele origin: germline.

Labcorp Genetics (formerly Invitae), Labcorp
Classification: Uncertain significance for Walker-Warburg congenital muscular dystrophy. Last evaluated: 2022-10-13. Review status: criteria provided, single submitter. Criteria: Invitae Variant Classification Sherloc (09022015). Collection method: clinical testing. Allele origin: germline.
Comment: This sequence change replaces arginine, which is basic and polar, with tryptophan, which is neutral and slightly polar, at codon 436 of the FKRP protein (p.Arg436Trp). This variant is present in population databases (rs144236975, gnomAD 0.1%). This variant has not been reported in the literature in individuals affected with FKRP-related conditions. ClinVar contains an entry for this variant (Variation ID: 282420). Advanced modeling of protein sequence and biophysical properties (such as structural, functional, and spatial information, amino acid conservation, physicochemical variation, residue mobility, and thermodynamic stability) has been performed at Invitae for this missense variant, however the output from this modeling did not meet the statistical confidence thresholds required to predict the impact of this variant on FKRP protein function. In summary, the available evidence is currently insufficient to determine the role of this variant in disease. Therefore, it has been classified as a Variant of Uncertain Significance.

Revvity Omics, Revvity
Classification: Uncertain significance. Last evaluated: 2020-10-19. Review status: criteria provided, single submitter. Criteria: ACMG Guidelines, 2015. Collection method: clinical testing. Allele origin: germline.

Eurofins Ntd Llc (ga)
Classification: Uncertain significance. Last evaluated: 2017-06-07. Review status: criteria provided, single submitter. Criteria: EGL Classification Definitions 2015. Collection method: clinical testing. Allele origin: germline. Observed: 5 variant alleles, 5 heterozygotes.

Natera, Inc.
Classification: Uncertain significance for Limb-girdle muscular dystrophy type 2I. Last evaluated: 2019-11-11. Review status: no assertion criteria provided. Collection method: clinical testing. Allele origin: germline. Not counted in ClinVar's aggregate classification.